The following is an entry in ClinVar:

ClinVar aggregate classification (germline): Likely benign. Review status: criteria provided, single submitter (1 of 4 stars). 2 submissions from 2 submitters: Likely benign (1). 1 of the submissions does not count toward it. Last evaluated 2026-01-14.

Conditions:
EPS8L2-related disorder. Also called: EPS8L2-related condition.

Allele frequency attached by ClinVar (database versions not stated): ExAC 0.00019; gnomAD 0.00019; TOPMed 0.00029; gnomAD exomes 0.00009; 1000 Genomes Project 30x 0.00125; 1000 Genomes Project 0.00140.
gnomAD v4.1: 162 of 1,536,416 alleles (0.011%); highest among the groups gnomAD compares: East Asian, 0.34%; no homozygotes.

Submissions (2):

Labcorp Genetics (formerly Invitae), Labcorp
Classification: Likely benign. Last evaluated: 2026-01-14. Review status: criteria provided, single submitter. Criteria: Invitae Variant Classification Sherloc (09022015). Collection method: clinical testing. Allele origin: germline.

PreventionGenetics, part of Exact Sciences
Classification: Likely benign for EPS8L2-related condition. Last evaluated: 2019-08-14. Review status: no assertion criteria provided. Collection method: clinical testing. Allele origin: germline. Not counted in ClinVar's aggregate classification.
Comment: This variant is classified as likely benign based on ACMG/AMP sequence variant interpretation guidelines (Richards et al. 2015 PMID: 25741868, with internal and published modifications).

NM_022772.4(EPS8L2):c.640G>A (p.Gly214Ser)

Genes: EPS8L2 (EPS8 signaling adaptor L2; plus strand), LOC130005078 (ATAC-STARR-seq lymphoblastoid silent region 3018; plus strand). Cytogenetic location: 11p15.5.
Variant type: single nucleotide variant.
Coding change: c.640G>A on transcript NM_022772.4 (MANE Select); coding-DNA position 640, G replaced by A.
Protein change: p.Gly214Ser; replaces glycine 214 with serine.
Molecular consequence: missense variant.
Genome position (GRCh38, 1-based): chr11:721,146, G>A. VCF-style: chr11-721146-G-A. GRCh37 (hg19) VCF-style: chr11-721146-G-A.
Other names: c.640G>A (NM_022772.3); short protein forms G214S.
Identifiers: ClinVar variation 2747955 (VCV002747955.5), dbSNP rs375898678, ClinGen allele CA5787223.
Genomic context (GRCh38, chr11:721,146, plus strand): 5'-CAGCGGCAGTCCATCCTGCCTCCTCCCCAGGGCCCGGCGCCCATCCCCTTCCAGCACCGC[G>A]GCGGGGATTCCCCGGAGGCCAAGAATCGCGTGGGCCCGCAGGTGCCACTCAGCGAGCCAG-3'
Protein context (NP_073609.2, residues 204-224): GPAPIPFQHR[Gly214Ser]GDSPEAKNRV